The following is an entry in ClinVar:

NM_001384140.1(PCDH15):c.2414dup (p.Leu805fs)

Gene: PCDH15 (protocadherin related 15; minus strand). Cytogenetic location: 10q21.1.
Variant type: Duplication.
Coding change: c.2414dup on transcript NM_001384140.1 (MANE Select); coding-DNA position 2414, one base duplicated (T; older notation c.2414dupT).
Protein change: p.Leu805fs; shifts the reading frame from leucine 805.
Molecular consequence: frameshift variant.
Genome position (GRCh38, 1-based): chr10:54,023,004, A duplicated on the plus strand (T on the coding strand, the reverse complement: PCDH15 is on the minus strand); the first of 2 consecutive A bases (chr10:54,023,004-54,023,005); duplicating either gives the same sequence. VCF-style (leftmost placement, unchanged base first): chr10-54023003-C-CA. GRCh37 (hg19) VCF-style: chr10-55782763-C-CA.
Other names: c.2429dup, p.Leu810fs (NM_001142763.2, NM_001142771.2); c.2414dup, p.Leu805fs (NM_001142764.2, NM_001142766.2, NM_001142770.3 and 5 more transcripts); c.2201dup, p.Leu734fs (NM_001142765.2); c.2303dup, p.Leu768fs (NM_001142767.2); c.2348dup, p.Leu783fs (NM_001142768.2, NM_001142773.2, NM_001354404.2); c.2449dup, p.Leu817Phefs (NM_001142769.4); c.2435dup, p.Leu812fs (NM_001354411.2); short protein forms L768fs, L805fs, L810fs, L783fs, L734fs, L812fs, L817fs.
Identifiers: ClinVar variation 3595710 (VCV003595710.3).

ClinVar aggregate classification (germline): Likely pathogenic. Review status: criteria provided, multiple submitters, no conflicts (2 of 4 stars). 2 submissions from 2 submitters: Likely pathogenic (2). Last evaluated 2025-02-23.

Conditions:
Usher syndrome type 1D (USH1D). Also called: USHER SYNDROME, TYPE ID. Identifiers: Orphanet 231169, Orphanet 886, MedGen C1832845, MONDO:0010984, OMIM 601067.
Usher syndrome type 1F (USH1F). Also called: USHER SYNDROME, TYPE IF. Identifiers: Orphanet 231169, Orphanet 886, MedGen C1865885, MONDO:0011186, OMIM 602083.
Autosomal recessive nonsyndromic hearing loss 23. Identifiers: Orphanet 90636, MedGen C1836027, MONDO:0012293, OMIM 609533.

Submissions (2):

Natera, Inc.
Classification: Likely pathogenic for Usher syndrome type 1F. Last evaluated: 2025-02-23. Review status: criteria provided, single submitter. Criteria: Natera Variant Classification Schema (03/2026). Collection method: clinical testing. Allele origin: germline.
Comment: The c.2414dup variant in PCDH15 is a frameshift variant predicted to shift the reading frame beginning at codon 805 and leads to a stop codon 9 codons downstream. This variant is expected to result in nonsense mediated decay, truncation, or a dysfunctional protein product. This variant is rare in the general population with a frequency below the threshold expected for the associated phenotype(s). Given the available evidence, this variant is classified as Likely Pathogenic.

Fulgent Genetics
Classification: Likely pathogenic for Usher syndrome type 1D; Usher syndrome type 1F; Autosomal recessive nonsyndromic hearing loss 23. Last evaluated: 2024-05-19. Review status: criteria provided, single submitter. Criteria: ACMG Guidelines, 2015. Collection method: clinical testing. Allele origin: germline.